The following is an entry in ClinVar:

NM_001382567.1(STIM1):c.114C>G (p.Ala38=)

Gene: STIM1 (stromal interaction molecule 1; plus strand). Cytogenetic location: 11p15.4.
Variant type: single nucleotide variant.
Coding change: c.114C>G on transcript NM_001382567.1 (MANE Select); coding-DNA position 114, C replaced by G.
Protein change: p.Ala38=; no amino-acid change (alanine 38 retained).
Molecular consequence: synonymous variant. On other transcripts: missense variant (1), 5 prime UTR variant (1), non-coding transcript variant (3), intron variant (10).
Genome position (GRCh38, 1-based): chr11:3,856,384, C>G. VCF-style: chr11-3856384-C-G. GRCh37 (hg19) VCF-style: chr11-3877614-C-G.
Other names: c.114C>G, p.Ala38= (NM_001277961.3, NM_001277962.2, NM_001382568.1 and 3 more transcripts); c.110C>G, p.Pro37Arg (NM_001382569.1); c.-124C>G (NM_001382571.1); c.-84+1648C>G (NM_001382578.1, NM_001382575.1, NM_001382574.1); c.-220+1648C>G (NM_001382580.1, NM_001382581.1); c.-84+1730C>G (NM_001382576.1); c.-84+968C>G (NM_001382566.1, NM_001382579.1, NM_001382577.1 and 1 more transcripts); short protein forms P37R.
Identifiers: ClinVar variation 258968 (VCV000258968.40), dbSNP rs150033189, ClinGen allele CA5830124.

ClinVar aggregate classification (germline): Likely benign. Review status: criteria provided, multiple submitters, no conflicts (2 of 4 stars). 4 submissions from 4 submitters: Likely benign (4). Last evaluated 2026-02-01.

Conditions:
Combined immunodeficiency due to STIM1 deficiency. Also called: STIM1 DEFICIENCY; IMMUNODEFICIENCY 10. Identifiers: Orphanet 169090, Orphanet 317430, MedGen C2748557, MONDO:0013008, OMIM 612783.
Stormorken syndrome (STRMK). Also called: THROMBOCYTOPATHY, ASPLENIA, AND MIOSIS. Identifiers: Orphanet 3204, MedGen C1861451, MONDO:0008497, OMIM 185070.
Myopathy with tubular aggregates (TAM). Also called: Tubular Aggregate Myopathy. Identifiers: Orphanet 2593, MedGen C0410207, MONDO:0008051.

Allele frequency attached by ClinVar (database versions not stated): 1000 Genomes Project 30x 0.00016; 1000 Genomes Project 0.00020; gnomAD 0.00029; ExAC 0.00039; gnomAD exomes 0.00041; TOPMed 0.00043; ESP Exome Variant Server 0.00085.
gnomAD v4.1: 485 of 1,614,138 alleles (0.03%); highest among the groups gnomAD compares: Non-Finnish European, 0.017%; 1 homozygote.

Submissions (4):

CeGaT Center for Human Genetics Tuebingen
Classification: Likely benign. Last evaluated: 2026-02-01. Review status: criteria provided, single submitter. Criteria: CeGaT Center For Human Genetics Tuebingen Variant Classification Criteria Version 2. Collection method: clinical testing. Allele origin: germline. Affected: yes. Observed: 4 variant alleles.
Comment: STIM1: BP4, BP7

Labcorp Genetics (formerly Invitae), Labcorp
Classification: Likely benign for Myopathy with tubular aggregates; Combined immunodeficiency due to STIM1 deficiency; Stormorken syndrome. Last evaluated: 2026-01-25. Review status: criteria provided, single submitter. Criteria: Invitae Variant Classification Sherloc (09022015). Collection method: clinical testing. Allele origin: germline.

Blueprint Genetics
Classification: Likely benign. Last evaluated: 2024-10-23. Review status: criteria provided, single submitter. Criteria: ACMG Guidelines, 2015. Collection method: clinical testing. Allele origin: germline.

PreventionGenetics, part of Exact Sciences
Classification: Likely benign. Review status: criteria provided, single submitter. Criteria: ACMG Guidelines, 2015. Collection method: clinical testing. Allele origin: germline.